The following is an entry in ClinVar:

NM_181882.3(PRX):c.574C>T (p.Arg192Trp)

Gene: PRX (periaxin; minus strand). Cytogenetic location: 19q13.2.
Variant type: single nucleotide variant.
Coding change: c.574C>T on transcript NM_181882.3 (MANE Select); coding-DNA position 574, C replaced by T.
Protein change: p.Arg192Trp; replaces arginine 192 with tryptophan.
Molecular consequence: missense variant. On other transcripts: 3 prime UTR variant (1).
Genome position (GRCh38, 1-based): chr19:40,397,778, G>A on the plus strand (C>T on the coding strand, the complement: PRX is on the minus strand). VCF-style: chr19-40397778-G-A. GRCh37 (hg19) VCF-style: chr19-40903685-G-A.
Other names: c.*779C>T (NM_020956.2); short protein forms R192W.
Identifiers: ClinVar variation 861758 (VCV000861758.9), dbSNP rs780147663, ClinGen allele CA9444427.

ClinVar aggregate classification (germline): Uncertain significance. Review status: criteria provided, multiple submitters, no conflicts (2 of 4 stars). 4 submissions from 4 submitters: Uncertain significance (4). Last evaluated 2022-08-04.

Conditions:
Charcot-Marie-Tooth disease type 4. Also called: Charcot-Marie-Tooth disease, type IV; Charcot-Marie-Tooth, Type 4. Identifiers: Orphanet 64749, MedGen C4082197, MONDO:0018995.
Inborn genetic diseases. Identifiers: MedGen C0950123, MeSH D030342.
Charcot-Marie-Tooth disease. Also called: Charcot-Marie-Tooth Neuropathy; Charcot-Marie-Tooth Hereditary Neuropathy. Identifiers: Orphanet 166, MedGen C0007959, MONDO:0015626.

Allele frequency attached by ClinVar (database versions not stated): TOPMed 0.00005; gnomAD exomes 0.00008; ExAC 0.00023.
gnomAD v4.1: 65 of 1,570,178 alleles (0.0041%); highest among the groups gnomAD compares: East Asian, 0.0069%; no homozygotes.

Submissions (4):

Labcorp Genetics (formerly Invitae), Labcorp
Classification: Uncertain significance for Charcot-Marie-Tooth disease type 4. Last evaluated: 2022-08-04. Review status: criteria provided, single submitter. Criteria: Invitae Variant Classification Sherloc (09022015). Collection method: clinical testing. Allele origin: germline.
Comment: This sequence change replaces arginine, which is basic and polar, with tryptophan, which is neutral and slightly polar, at codon 192 of the PRX protein (p.Arg192Trp). This variant is present in population databases (rs780147663, gnomAD 0.02%). This variant has not been reported in the literature in individuals affected with PRX-related conditions. ClinVar contains an entry for this variant (Variation ID: 861758). Algorithms developed to predict the effect of missense changes on protein structure and function are either unavailable or do not agree on the potential impact of this missense change (SIFT: "Deleterious"; PolyPhen-2: "Possibly Damaging"; Align-GVGD: "Class C0"). In summary, the available evidence is currently insufficient to determine the role of this variant in disease. Therefore, it has been classified as a Variant of Uncertain Significance.

Ambry Genetics
Classification: Uncertain significance for Inborn genetic diseases. Last evaluated: 2019-09-26. Review status: criteria provided, single submitter. Criteria: Ambry Variant Classification Scheme 2023. Collection method: clinical testing. Allele origin: germline.
Comment: The p.R192W variant (also known as c.574C>T), located in coding exon 4 of the PRX gene, results from a C to T substitution at nucleotide position 574. The arginine at codon 192 is replaced by tryptophan, an amino acid with dissimilar properties. This amino acid position is not well conserved in available vertebrate species. In addition, this alteration is predicted to be tolerated by in silico analysis. Since supporting evidence is limited at this time, the clinical significance of this alteration remains unclear.

GeneDx
Classification: Uncertain significance. Last evaluated: 2019-06-05. Review status: criteria provided, single submitter. Criteria: GeneDx Variant Classification Process June 2021. Collection method: clinical testing. Allele origin: germline. Affected: yes.
Comment: In silico analysis, which includes protein predictors and evolutionary conservation, supports a deleterious effect; Has not been previously published as pathogenic or benign to our knowledge

Molecular Genetics Laboratory, London Health Sciences Centre
Classification: Uncertain significance for Charcot-Marie-Tooth disease. Review status: criteria provided, single submitter. Criteria: ACMG Guidelines, 2015. Collection method: clinical testing. Allele origin: germline. Affected: yes.